The following is an entry in ClinVar:

NM_000535.7(PMS2):c.2035A>G (p.Ile679Val)

Gene: PMS2 (PMS1 homolog 2, mismatch repair system component; minus strand). Cytogenetic location: 7p22.1.
Variant type: single nucleotide variant.
Coding change: c.2035A>G on transcript NM_000535.7 (MANE Select); coding-DNA position 2035, A replaced by G.
Protein change: p.Ile679Val; replaces isoleucine 679 with valine.
Molecular consequence: missense variant. On other transcripts: non-coding transcript variant (1).
Genome position (GRCh38, 1-based): chr7:5,982,963, T>C on the plus strand (A>G on the coding strand, the complement: PMS2 is on the minus strand). VCF-style: chr7-5982963-T-C. GRCh37 (hg19) VCF-style: chr7-6022594-T-C.
Other names: c.1630A>G, p.Ile544Val (NM_001322003.2, NM_001322004.2, NM_001322005.2 and 1 more transcripts); c.1879A>G, p.Ile627Val (NM_001322006.2); c.1717A>G, p.Ile573Val (NM_001322007.2, NM_001322008.2); c.1474A>G, p.Ile492Val (NM_001322010.2); c.1102A>G, p.Ile368Val (NM_001322011.2, NM_001322012.2); c.1462A>G, p.Ile488Val (NM_001322013.2); c.2035A>G, p.Ile679Val (NM_001322014.2); c.1726A>G, p.Ile576Val (NM_001322015.2); and 1 more; short protein forms I679V, I576V, I488V, I492V, I573V, I368V, I544V, I627V.
Identifiers: ClinVar variation 127771 (VCV000127771.25), dbSNP rs587780047, ClinGen allele CA010735.

ClinVar aggregate classification (germline): Conflicting classifications of pathogenicity. Review status: criteria provided, conflicting classifications (1 of 4 stars). 9 submissions from 9 submitters: Uncertain significance (8); Likely benign (1). Last evaluated 2026-03-31.

Conditions:
Hereditary nonpolyposis colorectal neoplasms. Identifiers: MedGen C0009405, MeSH D003123.
Hereditary cancer-predisposing syndrome. Also called: Neoplastic Syndromes, Hereditary; Hereditary Cancer Syndrome; Tumor predisposition; Hereditary neoplastic syndrome. Identifiers: Orphanet 140162, MedGen C0027672, MeSH D009386, MONDO:0015356.
Lynch syndrome 4 (LYNCH4). Also called: Colorectal cancer, hereditary nonpolyposis, type 4; Hereditary non-polyposis colorectal cancer, type 4. Identifiers: Orphanet 144, MedGen C1838333, MONDO:0013699, OMIM 614337. Disease mechanism: loss of function.

Allele frequency attached by ClinVar (database versions not stated): gnomAD exomes 0.00001; TOPMed 0.00001.
gnomAD v4.1: 17 of 1,570,218 alleles (0.0011%); highest among the groups gnomAD compares: Non-Finnish European, 0.0014%; no homozygotes.

Submissions (9):

Dasa
Classification: Uncertain significance. Last evaluated: 2026-03-31. Review status: criteria provided, single submitter. Criteria: DASA Assertion Criteria. Collection method: clinical testing. Allele origin: germline.
Comment: NM_000535.7(PMS2):c.2035A>G (p.Ile679Val) is a missense variant that results in the substitution of isoleucine with valine. This variant is rare in population databases. Computational prediction algorithms are consistent with a benign effect. The currently available literature and clinical evidence are not sufficient to establish a definitive association between this variant and the reported condition. Therefore, this variant is classified as a variant of uncertain significance.

Center for Genomic Medicine, Rigshospitalet, Copenhagen University Hospital
Classification: Uncertain significance. Last evaluated: 2025-03-04. Review status: criteria provided, single submitter. Criteria: ACMG Guidelines, 2015. Collection method: clinical testing. Allele origin: germline.

Labcorp Genetics (formerly Invitae), Labcorp
Classification: Uncertain significance for Hereditary nonpolyposis colorectal neoplasms. Last evaluated: 2024-12-08. Review status: criteria provided, single submitter. Criteria: Invitae Variant Classification Sherloc (09022015). Collection method: clinical testing. Allele origin: germline.
Comment: This sequence change replaces isoleucine, which is neutral and non-polar, with valine, which is neutral and non-polar, at codon 679 of the PMS2 protein (p.Ile679Val). The frequency data for this variant in the population databases (gnomAD) is considered unreliable due to the presence of homologous sequence, such as pseudogenes or paralogs, in the genome. This variant has not been reported in the literature in individuals affected with PMS2-related conditions. ClinVar contains an entry for this variant (Variation ID: 127771). Invitae Evidence Modeling incorporating data from in vitro experimental studies (internal data) indicates that this missense variant is not expected to disrupt PMS2 function with a negative predictive value of 95%. In summary, the available evidence is currently insufficient to determine the role of this variant in disease. Therefore, it has been classified as a Variant of Uncertain Significance.

Color Diagnostics, LLC DBA Color Health
Classification: Uncertain significance for Hereditary cancer-predisposing syndrome. Last evaluated: 2024-04-07. Review status: criteria provided, single submitter. Criteria: ACMG Guidelines, 2015. Collection method: clinical testing. Allele origin: germline.
Comment: This missense variant replaces isoleucine with valine at codon 679 of the PMS2 protein. Computational prediction suggests that this variant may not impact protein structure and function. To our knowledge, functional studies have not been reported for this variant. This variant has not been reported in individuals affected with hereditary cancer in the literature. This variant has been identified in 1/199042 chromosomes in the general population by the Genome Aggregation Database (gnomAD). The available evidence is insufficient to determine the role of this variant in disease conclusively. Therefore, this variant is classified as a Variant of Uncertain Significance.

Baylor Genetics
Classification: Uncertain significance for Lynch syndrome 4. Last evaluated: 2024-02-24. Review status: criteria provided, single submitter. Criteria: ACMG Guidelines, 2015. Collection method: clinical testing. Allele origin: unknown.

Quest Diagnostics Nichols Institute San Juan Capistrano
Classification: Uncertain significance. Last evaluated: 2024-01-30. Review status: criteria provided, single submitter. Criteria: Quest Diagnostics criteria. Collection method: clinical testing. Allele origin: unknown.
Comment: The PMS2 c.2035A>G (p.Ile679Val) variant has not been reported in individuals with PMS2-related conditions in the published literature. In a breast cancer case-control study, this variant has been detected in reportedly healthy individuals (PMID: 33471991 (2021), see also LOVD). The frequency of this variant in the general population, 0.000005 (1/199042 chromosomes (Genome Aggregation Database)), is uninformative in the assessment of its pathogenicity. Analysis of this variant using bioinformatics tools for the prediction of the effect of amino acid changes on protein structure and function yielded predictions that this variant is benign. Based on the available information, we are unable to determine the clinical significance of this variant.

GeneDx
Classification: Uncertain significance. Last evaluated: 2022-06-06. Review status: criteria provided, single submitter. Criteria: GeneDx Variant Classification Process June 2021. Collection method: clinical testing. Allele origin: germline. Affected: yes.
Comment: Not observed at significant frequency in large population cohorts (gnomAD); In silico analysis supports that this missense variant does not alter protein structure/function; Has not been previously published as pathogenic or benign to our knowledge

Ambry Genetics
Classification: Likely benign for Hereditary cancer-predisposing syndrome. Last evaluated: 2020-09-15. Review status: criteria provided, single submitter. Criteria: Ambry Variant Classification Scheme 2023. Collection method: clinical testing. Allele origin: germline.

Department of Pathology and Laboratory Medicine, Sinai Health System
Classification: Uncertain significance for Lynch syndrome 4. Last evaluated: 2019-12-27. Review status: criteria provided, single submitter. Criteria: ACMG Guidelines, 2015. Collection method: clinical testing. Allele origin: germline. Affected: yes.

Literature cited by the submitters: PubMed 33471991 (cited by Quest Diagnostics Nichols Institute San Juan Capistrano).